The following is an entry in ClinVar:

ClinVar aggregate classification (germline): Uncertain significance (1 of 4 stars; one submission).

Conditions:
Craniolenticulosutural dysplasia (CLSD). Also called: BOYADJIEV-JABS SYNDROME. Identifiers: Orphanet 50814, MedGen C1843042, MONDO:0011911, OMIM 607812.

Allele frequency attached by ClinVar (database versions not stated): gnomAD exomes below 0.00001; ExAC 0.00001; gnomAD 0.00001.

Submission:

Labcorp Genetics (formerly Invitae), Labcorp
Classification: Uncertain significance for Craniolenticulosutural dysplasia. Last evaluated: 2021-04-16. Review status: criteria provided, single submitter. Criteria: Invitae Variant Classification Sherloc (09022015). Collection method: clinical testing. Allele origin: germline.
Comment: In summary, the available evidence is currently insufficient to determine the role of this variant in disease. Therefore, it has been classified as a Variant of Uncertain Significance. Algorithms developed to predict the effect of missense changes on protein structure and function are either unavailable or do not agree on the potential impact of this missense change (SIFT: "Not Available"; PolyPhen-2: "Benign"; Align-GVGD: "Not Available"). This variant has not been reported in the literature in individuals with SEC23A-related conditions. This sequence change replaces glutamic acid with glycine at codon 332 of the SEC23A protein (p.Glu332Gly). The glutamic acid residue is moderately conserved and there is a moderate physicochemical difference between glutamic acid and glycine. This variant is present in population databases (rs749846887, ExAC 0.002%).

NM_006364.4(SEC23A):c.995A>G (p.Glu332Gly)

Gene: SEC23A (SEC23 homolog A, COPII component; minus strand). Cytogenetic location: 14q21.1.
Variant type: single nucleotide variant.
Coding change: c.995A>G on transcript NM_006364.4 (MANE Select); coding-DNA position 995, A replaced by G.
Protein change: p.Glu332Gly; replaces glutamic acid 332 with glycine.
Molecular consequence: missense variant.
Genome position (GRCh38, 1-based): chr14:39,074,523, T>C on the plus strand (A>G on the coding strand, the complement: SEC23A is on the minus strand). VCF-style: chr14-39074523-T-C. GRCh37 (hg19) VCF-style: chr14-39543727-T-C.
Other names: short protein forms E332G.
Identifiers: ClinVar variation 1512765 (VCV001512765.6), dbSNP rs749846887, ClinGen allele CA7161979.
Genomic context (GRCh38, chr14:39,074,523, plus strand): 5'-AATGCACACGCATAGATATCAATAACATGGCCAGTTGTAGCAGCTCGATTAGCCAATGCT[T>C]CAAAATGCTACAAAAGATTTTCTTAATTAAAATAATATACAAAATTGTCCTATAAATCTT-3'
Protein context (NP_006355.2, residues 322-342): KYVKKGTKHF[Glu332Gly]ALANRAATTG